The following is an entry in ClinVar:

NM_000426.4(LAMA2):c.2538-1G>C

Gene: LAMA2 (laminin subunit alpha 2; plus strand). Cytogenetic location: 6q22.33.
Variant type: single nucleotide variant.
Coding change: c.2538-1G>C on transcript NM_000426.4 (MANE Select); the canonical splice acceptor site of the intron before coding-DNA position 2538, G replaced by C.
Molecular consequence: splice acceptor variant.
Genome position (GRCh38, 1-based): chr6:129,287,846, G>C. VCF-style: chr6-129287846-G-C. GRCh37 (hg19) VCF-style: chr6-129608991-G-C.
Other names: c.2538-1G>C (NM_001079823.2).
Identifiers: ClinVar variation 2734945 (VCV002734945.5), dbSNP rs2482291664, ClinGen allele CA365609692.

ClinVar aggregate classification (germline): Likely pathogenic. Review status: criteria provided, multiple submitters, no conflicts (2 of 4 stars). 3 submissions from 3 submitters: Likely pathogenic (3). Last evaluated 2026-08-25.

Conditions:
Merosin deficient congenital muscular dystrophy (MDC1A). Also called: Congenital Muscular Dystrophy Type 1A (MDC1A); Congenital merosin-deficient muscular dystrophy 1A. Identifiers: Orphanet 258, MedGen C1263858, MONDO:0011925, OMIM 607855.
LAMA2-related muscular dystrophy (LAMA2-RD). Also called: Laminin alpha 2-related dystrophy. Identifiers: MedGen C5679788, MONDO:0100228.

Submissions (3):

Myriad Genetics, Inc.
Classification: Likely pathogenic for LAMA2-related muscular dystrophy. Last evaluated: 2026-08-25. Review status: criteria provided, single submitter. Criteria: Myriad Autosomal Dominant, Autosomal Recessive and X-Linked Classification Criteria (2023). Collection method: clinical testing. Allele origin: unknown.
Comment: NM_000426.3(LAMA2):c.2538-1G>C is a variant in a canonical splice site classified as likely pathogenic in the context of muscular dystrophy, LAMA2-related. c.2538-1G>C has been observed in cases with relevant disease (PMID: 27159402, 20207543, 35734998, 32028919). Relevant functional assessments of this variant are not available in the literature. c.2538-1G>C has not been observed in referenced population frequency databases. In summary, NM_000426.3(LAMA2):c.2538-1G>C is a variant in a canonical splice site in a gene where loss of function is a known mechanism of disease, is predicted to disrupt protein function, and has been observed more frequently in cases with the relevant disease than in healthy populations. Please note: this variant was assessed in the context of healthy population screening.

Labcorp Genetics (formerly Invitae), Labcorp
Classification: Likely pathogenic for LAMA2-related muscular dystrophy. Last evaluated: 2023-05-15. Review status: criteria provided, single submitter. Criteria: Invitae Variant Classification Sherloc (09022015). Collection method: clinical testing. Allele origin: germline.
Comment: This sequence change affects an acceptor splice site in intron 18 of the LAMA2 gene. It is expected to disrupt RNA splicing. Variants that disrupt the donor or acceptor splice site typically lead to a loss of protein function (PMID: 16199547), and loss-of-function variants in LAMA2 are known to be pathogenic (PMID: 18700894, 32904964). This variant is not present in population databases (gnomAD no frequency). Disruption of this splice site has been observed in individual(s) with clinical features of LAMA2-related disorders (PMID: 16770791, 20207543, 30055037). Algorithms developed to predict the effect of sequence changes on RNA splicing suggest that this variant may disrupt the consensus splice site. In summary, the currently available evidence indicates that the variant is pathogenic, but additional data are needed to prove that conclusively. Therefore, this variant has been classified as Likely Pathogenic.

Department of Pathology and Laboratory Medicine, Sinai Health System
Classification: Likely pathogenic for Merosin deficient congenital muscular dystrophy. Last evaluated: 2022-11-01. Review status: criteria provided, single submitter. Criteria: ACMG Guidelines, 2015. Collection method: research. Allele origin: germline.

Literature cited by the submitters: PubMed 20207543 (cited by Myriad Genetics, Inc. and Labcorp Genetics (formerly Invitae), Labcorp); PubMed 27159402 (cited by Myriad Genetics, Inc.); PubMed 32028919 (cited by Myriad Genetics, Inc.); PubMed 35734998 (cited by Myriad Genetics, Inc.); PubMed 16199547 (cited by Labcorp Genetics (formerly Invitae), Labcorp); PubMed 18700894 (cited by Labcorp Genetics (formerly Invitae), Labcorp); PubMed 32904964 (cited by Labcorp Genetics (formerly Invitae), Labcorp); PubMed 16770791 (cited by Labcorp Genetics (formerly Invitae), Labcorp); PubMed 30055037 (cited by Labcorp Genetics (formerly Invitae), Labcorp).